The following is an entry in ClinVar:

ClinVar aggregate classification (germline): Uncertain significance (1 of 4 stars; one submission).

Conditions:
Alacrima, achalasia, and impaired intellectual development syndrome. Also called: Alacrima, achalasia, and intellectual disability syndrome; Alacrima, achalasia, and mental retardation syndrome. Identifiers: Orphanet 869, MedGen C4706563, MONDO:0014219, OMIM 615510.

Allele frequency attached by ClinVar (database versions not stated): 1000 Genomes Project 30x 0.00047; TOPMed 0.00002; 1000 Genomes Project 0.00040; gnomAD 0.00002 and 0.00005.
gnomAD v4.1: 29 of 1,613,812 alleles (0.0018%); highest among the groups gnomAD compares: Admixed American, 0.012%; no homozygotes.

Submission:

Labcorp Genetics (formerly Invitae), Labcorp
Classification: Uncertain significance for Alacrima, achalasia, and impaired intellectual development syndrome. Last evaluated: 2022-11-03. Review status: criteria provided, single submitter. Criteria: Invitae Variant Classification Sherloc (09022015). Collection method: clinical testing. Allele origin: germline.
Comment: This sequence change replaces arginine, which is basic and polar, with histidine, which is basic and polar, at codon 349 of the GMPPA protein (p.Arg349His). This variant is present in population databases (rs568570865, gnomAD 0.006%). This variant has not been reported in the literature in individuals affected with GMPPA-related conditions. ClinVar contains an entry for this variant (Variation ID: 864741). Advanced modeling of protein sequence and biophysical properties (such as structural, functional, and spatial information, amino acid conservation, physicochemical variation, residue mobility, and thermodynamic stability) performed at Invitae indicates that this missense variant is not expected to disrupt GMPPA protein function. In summary, the available evidence is currently insufficient to determine the role of this variant in disease. Therefore, it has been classified as a Variant of Uncertain Significance.

NM_013335.4(GMPPA):c.1046G>A (p.Arg349His)

Genes: ASIC4-AS1 (ASIC4 antisense RNA 1; minus strand), GMPPA (GDP-mannose pyrophosphorylase A; plus strand). Cytogenetic location: 2q35.
Variant type: single nucleotide variant.
Coding change: c.1046G>A on transcript NM_013335.4 (MANE Select); coding-DNA position 1046, G replaced by A.
Protein change: p.Arg349His; replaces arginine 349 with histidine.
Molecular consequence: missense variant.
Genome position (GRCh38, 1-based): chr2:219,506,306, G>A. VCF-style: chr2-219506306-G-A. GRCh37 (hg19) VCF-style: chr2-220371028-G-A.
Other names: c.1046G>A, p.Arg349His (NM_001374294.1, NM_001374295.1, NM_205847.3); short protein forms R349H.
Identifiers: ClinVar variation 864741 (VCV000864741.7), dbSNP rs568570865, ClinGen allele CA2128408.
Genomic context (GRCh38, chr2:219,506,306, plus strand): 5'-TTTGGCAGGAGCACACGTGTGTTCTGCATAGCATCGTGGGCTGGGGGAGCACCGTGGGAC[G>A]CTGGGCCCGCGTGGAGGGTACCCCCAGTGACCCTAACCCCAACGATCCCCGAGCCCGCAT-3'
Protein context (NP_037467.2, residues 339-359): SIVGWGSTVG[Arg349His]WARVEGTPSD